The following is an entry in ClinVar:

ClinVar aggregate classification (germline): Likely pathogenic (1 of 4 stars; one submission).

Conditions:
Nicolaides-Baraitser syndrome (NCBRS). Also called: Intellectual disability-sparse hair-brachydactyly syndrome; SMARCA2-Related Nicolaides-Baraitser Syndrome. Identifiers: Orphanet 3051, MedGen C1303073, MONDO:0011053, OMIM 601358.

Submission:

3billion
Classification: Likely pathogenic for Nicolaides-Baraitser syndrome. Last evaluated: 2023-02-23. Review status: criteria provided, single submitter. Criteria: ACMG Guidelines, 2015. Collection method: clinical testing. Allele origin: unknown. Affected: yes.
Comment: The variant is not observed in the gnomAD v2.1.1 dataset. The variant is located in a mutational hot spot and/or well-established functional domain in which established pathogenic variants have been reported. Missense changes are a common disease-causing mechanism. In silico tool predictions suggest damaging effect of the variant on gene or gene product (REVEL: 0.90; 3Cnet: 0.86). Therefore, this variant is classified as Likely pathogenic according to the recommendation of ACMG/AMP guideline.

NM_003070.5(SMARCA2):c.2831C>A (p.Pro944Gln)

Gene: SMARCA2 (SWI/SNF related BAF chromatin remodeling complex subunit ATPase 2; plus strand). Cytogenetic location: 9p24.3.
Variant type: single nucleotide variant.
Coding change: c.2831C>A on transcript NM_003070.5 (MANE Select); coding-DNA position 2831, C replaced by A.
Protein change: p.Pro944Gln; replaces proline 944 with glutamine.
Molecular consequence: missense variant.
Genome position (GRCh38, 1-based): chr9:2,088,561, C>A. VCF-style: chr9-2088561-C-A. GRCh37 (hg19) VCF-style: chr9-2088561-C-A.
Other names: c.2831C>A, p.Pro944Gln (NM_001289396.2, NM_139045.4); c.2657C>A, p.Pro886Gln (NM_001289397.2); short protein forms P886Q, P944Q.
Identifiers: ClinVar variation 2444104 (VCV002444104.1), dbSNP rs2537347486, ClinGen allele CA372785502.